The following is an entry in ClinVar:

ClinVar aggregate classification (germline): Uncertain significance (1 of 4 stars; one submission).

Submission:

GeneDx
Classification: Uncertain significance. Last evaluated: 2023-12-05. Review status: criteria provided, single submitter. Criteria: GeneDx Variant Classification Process June 2021. Collection method: clinical testing. Allele origin: germline. Affected: yes.
Comment: Frameshift variant predicted to result in protein truncation or nonsense mediated decay in a gene or region of a gene for which loss of function is not a well-established mechanism of disease; Not observed at significant frequency in large population cohorts (gnomAD); Has not been previously published as pathogenic or benign to our knowledge

NM_017852.5(NLRP2):c.467_468del (p.Lys156fs)

Gene: NLRP2 (NLR family pyrin domain containing 2; plus strand). Cytogenetic location: 19q13.42.
Variant type: Deletion.
Coding change: c.467_468del on transcript NM_017852.5 (MANE Select); coding-DNA positions 467 to 468, 2 bases deleted (AA; older notation c.467_468delAA).
Protein change: p.Lys156fs; shifts the reading frame from lysine 156.
Molecular consequence: frameshift variant. On other transcripts: non-coding transcript variant (1).
Genome position (GRCh38, 1-based): chr19:54,982,165-54,982,166, AA deleted; deleting any 2 consecutive bases within chr19:54,982,164-54,982,166 gives the same sequence; the c. name uses the placement nearest the transcript's 3' end. VCF-style (leftmost placement, unchanged base first): chr19-54982163-CAA-C. GRCh37 (hg19) VCF-style: chr19-55493531-CAA-C.
Other names: c.467_468del, p.Lys156fs (NM_001174081.3); c.401_402del, p.Lys134fs (NM_001174082.3); c.398_399del, p.Lys133fs (NM_001174083.2); c.458_459del, p.Lys153fs (NM_001348003.2); short protein forms K133fs, K134fs, K153fs, K156fs.
Identifiers: ClinVar variation 3365173 (VCV003365173.1).
Genomic context (GRCh38, chr19:54,982,163, plus strand): 5'-TTTTCCCTATGGGTAACTGATTGCATCCTCTCTCCCTTCCCTCCTCACCAATGATAAAGA[CAA>C]AGACAATAGGTGCAGGTATATATTGAAGACGAAGTTCCGGGAGATGTGGAAGAGCTGGCC-3'